The following is an entry in ClinVar:

NM_001127671.2(LIFR):c.1491C>G (p.Asp497Glu)

Gene: LIFR (LIF receptor subunit alpha; minus strand). Cytogenetic location: 5p13.1.
Variant type: single nucleotide variant.
Coding change: c.1491C>G on transcript NM_001127671.2 (MANE Select); coding-DNA position 1491, C replaced by G.
Protein change: p.Asp497Glu; replaces aspartic acid 497 with glutamic acid.
Molecular consequence: missense variant.
Genome position (GRCh38, 1-based): chr5:38,502,746, G>C on the plus strand (C>G on the coding strand, the complement: LIFR is on the minus strand). VCF-style: chr5-38502746-G-C. GRCh37 (hg19) VCF-style: chr5-38502848-G-C.
Other names: c.1491C>G, p.Asp497Glu (NM_001364297.2, NM_001364298.2, NM_002310.6); short protein forms D497E.
Identifiers: ClinVar variation 2164353 (VCV002164353.1), dbSNP rs188129112, ClinGen allele CA3242928.

ClinVar aggregate classification (germline): Uncertain significance (1 of 4 stars; one submission).

Allele frequency attached by ClinVar (database versions not stated): TOPMed 0.00003; 1000 Genomes Project 30x 0.00016; 1000 Genomes Project 0.00020; gnomAD 0.00001; gnomAD exomes 0.00001; ExAC 0.00003.
gnomAD v4.1: 10 of 1,610,988 alleles (0.00062%); highest among the groups gnomAD compares: Admixed American, 0.015%; no homozygotes.

Submission:

Labcorp Genetics (formerly Invitae), Labcorp
Classification: Uncertain significance. Last evaluated: 2022-03-17. Review status: criteria provided, single submitter. Criteria: Invitae Variant Classification Sherloc (09022015). Collection method: clinical testing. Allele origin: germline.
Comment: This sequence change replaces aspartic acid, which is acidic and polar, with glutamic acid, which is acidic and polar, at codon 497 of the LIFR protein (p.Asp497Glu). This variant is present in population databases (rs188129112, gnomAD 0.02%). This variant has not been reported in the literature in individuals affected with LIFR-related conditions. Algorithms developed to predict the effect of missense changes on protein structure and function (SIFT, PolyPhen-2, Align-GVGD) all suggest that this variant is likely to be tolerated. In summary, the available evidence is currently insufficient to determine the role of this variant in disease. Therefore, it has been classified as a Variant of Uncertain Significance.